The following is an entry in ClinVar:

ClinVar aggregate classification (germline): Uncertain significance (1 of 4 stars; one submission).

Submission:

GeneDx
Classification: Uncertain significance. Last evaluated: 2022-04-08. Review status: criteria provided, single submitter. Criteria: GeneDx Variant Classification Process June 2021. Collection method: clinical testing. Allele origin: germline. Affected: yes.
Comment: Not observed at significant frequency in large population cohorts (gnomAD); In silico analysis supports that this missense variant has a deleterious effect on protein structure/function; In addition, in silico splice predictors suggest this variant may lead to abnormal gene splicing. In the absence of RNA/functional studies, the actual effect of this sequence change is unknown; Has not been previously published as pathogenic or benign to our knowledge; Variants in candidate genes are classified as variants of uncertain significance in accordance with ACMG guidelines (Richards et al., 2015)

NM_012433.4(SF3B1):c.1865A>G (p.Glu622Gly)

Gene: SF3B1 (splicing factor 3b subunit 1; minus strand). Cytogenetic location: 2q33.1.
Variant type: single nucleotide variant.
Coding change: c.1865A>G on transcript NM_012433.4 (MANE Select); coding-DNA position 1865, A replaced by G.
Protein change: p.Glu622Gly; replaces glutamic acid 622 with glycine.
Molecular consequence: missense variant.
Genome position (GRCh38, 1-based): chr2:197,402,768, T>C on the plus strand (A>G on the coding strand, the complement: SF3B1 is on the minus strand). VCF-style: chr2-197402768-T-C. GRCh37 (hg19) VCF-style: chr2-198267492-T-C.
Other names: short protein forms E622G.
Identifiers: ClinVar variation 4755735 (VCV004755735.1).